The following is an entry in ClinVar:

NM_000466.3(PEX1):c.1136_1140del (p.Glu379fs)

Gene: PEX1 (peroxisomal biogenesis factor 1; minus strand). Cytogenetic location: 7q21.2.
Variant type: Deletion.
Coding change: c.1136_1140del on transcript NM_000466.3 (MANE Select); coding-DNA positions 1136 to 1140, 5 bases deleted (AGAAG; older notation c.1136_1140delAGAAG).
Protein change: p.Glu379fs; shifts the reading frame from glutamic acid 379.
Molecular consequence: frameshift variant.
Genome position (GRCh38, 1-based): chr7:92,517,375-92,517,379, CTTCT deleted on the plus strand (AGAAG on the coding strand, the reverse complement: PEX1 is on the minus strand); deleting any 5 consecutive bases within chr7:92,517,375-92,517,380 gives the same sequence; the c. name uses the placement nearest the transcript's 3' end. VCF-style (leftmost placement, unchanged base first): chr7-92517374-CCTTCT-C. GRCh37 (hg19) VCF-style: chr7-92146688-CCTTCT-C.
Other names: c.1136_1140del5 (NM_000466.2); c.1136_1140del (NM_000466.2); c.1136_1140del, p.Glu379fs (NM_001282677.2); c.512_516del, p.Glu171fs (NM_001282678.2); short protein forms E171fs, E379fs.
Identifiers: ClinVar variation 3344705 (VCV003344705.3).
Genomic context (GRCh38, chr7:92,517,374, plus strand): 5'-TATATTTGATGGCATTGTTCAATTCTTCAAGTCCATTCCAGACTACTTGTAGCACACAGG[CCTTCT>C]CATCTTCTTCATTATGATCTGACCTAATTTTTTTTTGATCTAGTGGCTCTGACATCTGCT-3'

ClinVar aggregate classification (germline): Pathogenic/Likely pathogenic. Review status: criteria provided, multiple submitters, no conflicts (2 of 4 stars). 3 submissions from 3 submitters: Pathogenic (1); Likely pathogenic (1). 1 of the submissions does not count toward it. Last evaluated 2024-12-31.

Conditions:
Peroxisome biogenesis disorder. Identifiers: Orphanet 79189, MedGen C1832200, MONDO:0019234. Disease mechanism: loss of function.
PEX1-related disorder. Also called: PEX1-related condition.
Zellweger spectrum disorders (ZS). Also called: Zellweger Spectrum Disorder; Zellweger Spectrum; Zellweger syndrome; Zellweger Spectrum Disorder (ZSD). Identifiers: Orphanet 912, MedGen C0043459, MONDO:0019609.

Submissions (3):

Myriad Genetics, Inc.
Classification: Pathogenic for Peroxisome biogenesis disorder. Last evaluated: 2024-12-31. Review status: criteria provided, single submitter. Criteria: Myriad Autosomal Dominant, Autosomal Recessive and X-Linked Classification Criteria (2023). Collection method: clinical testing. Allele origin: unknown.
Comment: NM_000466.2(PEX1):c.1136_1140del5(E379Gfs*12) is expected to be pathogenic in the context of peroxisome biogenesis disorder type 1. This variant is predicted to lead to an abnormal or absent protein product due to the creation of a premature termination codon in PEX1, a gene where loss-of-function variants are known to be pathogenic. Please note: this variant was assessed in the context of healthy population screening.

Natera, Inc.
Classification: Likely pathogenic for Zellweger syndrome. Last evaluated: 2024-08-21. Review status: criteria provided, single submitter. Criteria: Natera Variant Classification Schema (03/2026). Collection method: clinical testing. Allele origin: germline.
Comment: The c.1136_1140del variant in PEX1 is a frameshift variant predicted to shift the reading frame beginning at codon 379 and leads to a stop codon 12 codons downstream. This variant is expected to result in nonsense mediated decay, truncation, or a dysfunctional protein product. This variant is rare in the general population with a frequency below the threshold expected for the associated phenotype(s). Given the available evidence, this variant is classified as Likely Pathogenic.

PreventionGenetics, part of Exact Sciences
Classification: Likely pathogenic for PEX1-related condition. Last evaluated: 2024-05-19. Review status: no assertion criteria provided. Collection method: clinical testing. Allele origin: germline. Not counted in ClinVar's aggregate classification.
Comment: The PEX1 c.1136_1140del5 variant is predicted to result in a frameshift and premature protein termination (p.Glu379Glyfs*12). To our knowledge, this variant has not been reported in the literature or in a large population database, indicating this variant is rare. Frameshift variants in PEX1 are expected to be pathogenic. This variant is interpreted as likely pathogenic.